The following is an entry in ClinVar:

ClinVar aggregate classification (germline): Likely benign (1 of 4 stars; one submission).

gnomAD v4.1: 23 of 1,613,858 alleles (0.0014%); highest among the groups gnomAD compares: Middle Eastern, 0.033%; no homozygotes.

Submission:

CeGaT Center for Human Genetics Tuebingen
Classification: Likely benign. Last evaluated: 2024-09-01. Review status: criteria provided, single submitter. Criteria: CeGaT Center For Human Genetics Tuebingen Variant Classification Criteria Version 2. Collection method: clinical testing. Allele origin: germline. Affected: yes. Observed: 1 variant allele.
Comment: FYB1: BP4, BP7

NM_001465.6(FYB1):c.1026G>A (p.Pro342=)

Gene: FYB1 (FYN binding protein 1; minus strand). Cytogenetic location: 5p13.1.
Variant type: single nucleotide variant.
Coding change: c.1026G>A on transcript NM_001465.6 (MANE Select); coding-DNA position 1026, G replaced by A.
Protein change: p.Pro342=; no amino-acid change (proline 342 retained).
Molecular consequence: synonymous variant.
Genome position (GRCh38, 1-based): chr5:39,201,935, C>T on the plus strand (G>A on the coding strand, the complement: FYB1 is on the minus strand). VCF-style: chr5-39201935-C-T. GRCh37 (hg19) VCF-style: chr5-39202037-C-T.
Other names: c.1056G>A, p.Pro352= (NM_001243093.2, NM_018594.2); c.1026G>A, p.Pro342= (NM_001349333.2, NM_199335.5).
Identifiers: ClinVar variation 3388998 (VCV003388998.14).